The following is an entry in ClinVar:

ClinVar aggregate classification (germline): Conflicting classifications of pathogenicity. Review status: criteria provided, conflicting classifications (1 of 4 stars). 3 submissions from 3 submitters: Uncertain significance (2); Likely benign (1). Last evaluated 2025-10-01.

Conditions:
Hereditary cancer-predisposing syndrome. Also called: Neoplastic Syndromes, Hereditary; Tumor predisposition; Hereditary Cancer Syndrome; Hereditary neoplastic syndrome. Identifiers: Orphanet 140162, MedGen C0027672, MeSH D009386, MONDO:0015356.

Allele frequency attached by ClinVar (database versions not stated): gnomAD exomes below 0.00001; ExAC 0.00001; gnomAD 0.00006 and 0.00009; TOPMed 0.00008.

Submissions (3):

Labcorp Genetics (formerly Invitae), Labcorp
Classification: Uncertain significance. Last evaluated: 2025-10-01. Review status: criteria provided, single submitter. Criteria: Invitae Variant Classification Sherloc (09022015). Collection method: clinical testing. Allele origin: germline.
Comment: This sequence change replaces threonine, which is neutral and polar, with alanine, which is neutral and non-polar, at codon 594 of the POLE protein (p.Thr594Ala). This variant is present in population databases (rs762067222, gnomAD 0.008%). This variant has not been reported in the literature in individuals affected with POLE-related conditions. ClinVar contains an entry for this variant (Variation ID: 473483). Invitae Evidence Modeling of protein sequence and biophysical properties (such as structural, functional, and spatial information, amino acid conservation, physicochemical variation, residue mobility, and thermodynamic stability) indicates that this missense variant is not expected to disrupt POLE protein function with a negative predictive value of 80%. In summary, the available evidence is currently insufficient to determine the role of this variant in disease. Therefore, it has been classified as a Variant of Uncertain Significance.

Ambry Genetics
Classification: Likely benign for Hereditary cancer-predisposing syndrome. Last evaluated: 2024-12-17. Review status: criteria provided, single submitter. Criteria: Ambry Variant Classification Scheme 2023. Collection method: clinical testing. Allele origin: germline.

GeneDx
Classification: Uncertain significance. Last evaluated: 2023-10-16. Review status: criteria provided, single submitter. Criteria: GeneDx Variant Classification Process June 2021. Collection method: clinical testing. Allele origin: germline. Affected: yes.
Comment: Has not been previously published as pathogenic or benign to our knowledge; Not observed at significant frequency in large population cohorts (gnomAD); In silico analysis supports that this missense variant has a deleterious effect on protein structure/function

NM_006231.4(POLE):c.1780A>G (p.Thr594Ala)

Gene: POLE (DNA polymerase epsilon, catalytic subunit; minus strand). Cytogenetic location: 12q24.33.
Variant type: single nucleotide variant.
Coding change: c.1780A>G on transcript NM_006231.4 (MANE Select); coding-DNA position 1780, A replaced by G.
Protein change: p.Thr594Ala; replaces threonine 594 with alanine.
Molecular consequence: missense variant.
Genome position (GRCh38, 1-based): chr12:132,672,229, T>C on the plus strand (A>G on the coding strand, the complement: POLE is on the minus strand). VCF-style: chr12-132672229-T-C. GRCh37 (hg19) VCF-style: chr12-133248815-T-C.
Other names: short protein forms T594A.
Identifiers: ClinVar variation 473483 (VCV000473483.19), dbSNP rs762067222, ClinGen allele CA6893837.